The following is an entry in ClinVar:

NM_000143.4(FH):c.905G>A (p.Gly302Asp)

Gene: FH (fumarate hydratase; minus strand). Cytogenetic location: 1q43.
Variant type: single nucleotide variant.
Coding change: c.905G>A on transcript NM_000143.4 (MANE Select); coding-DNA position 905, G replaced by A.
Protein change: p.Gly302Asp; replaces glycine 302 with aspartic acid.
Molecular consequence: missense variant.
Genome position (GRCh38, 1-based): chr1:241,504,245, C>T on the plus strand (G>A on the coding strand, the complement: FH is on the minus strand). VCF-style: chr1-241504245-C-T. GRCh37 (hg19) VCF-style: chr1-241667545-C-T.
Other names: short protein forms G302D.
Identifiers: ClinVar variation 956825 (VCV000956825.10), dbSNP rs1162334354, ClinGen allele CA345438434.

ClinVar aggregate classification (germline): Uncertain significance. Review status: criteria provided, multiple submitters, no conflicts (2 of 4 stars). 4 submissions from 4 submitters: Uncertain significance (4). Last evaluated 2026-08-17.

Conditions:
Hereditary cancer-predisposing syndrome. Also called: Neoplastic Syndromes, Hereditary; Hereditary Cancer Syndrome; Tumor predisposition; Hereditary neoplastic syndrome. Identifiers: Orphanet 140162, MedGen C0027672, MeSH D009386, MONDO:0015356.
Fumarase deficiency (FMRD). Also called: Fumarate Hydratase Deficiency; Fumaric aciduria. Identifiers: Orphanet 24, MedGen C0342770, MONDO:0011730, OMIM 606812.

Allele frequency attached by ClinVar (database versions not stated): TOPMed below 0.00001.
gnomAD v4.1: 2 of 1,613,670 alleles (0.00012%); highest among the groups gnomAD compares: African/African-American, 0.0013%; no homozygotes.

Submissions (4):

Ambry Genetics
Classification: Uncertain significance for Hereditary cancer-predisposing syndrome. Last evaluated: 2026-08-17. Review status: criteria provided, single submitter. Criteria: Ambry Variant Classification Scheme 2023. Collection method: clinical testing. Allele origin: germline.
Comment: The p.G302D variant (also known as c.905G>A) is located in coding exon 7 of the FH gene. The glycine at codon 302 is replaced by aspartic acid, an amino acid with similar properties. This change occurs in the first base pair of coding exon 7. This amino acid position is highly conserved in available vertebrate species. In addition, this alteration is predicted to be deleterious by in silico analysis. Based on the available evidence, the clinical significance of this variant remains unclear.

Labcorp Genetics (formerly Invitae), Labcorp
Classification: Uncertain significance. Last evaluated: 2026-01-26. Review status: criteria provided, single submitter. Criteria: Invitae Variant Classification Sherloc (09022015). Collection method: clinical testing. Allele origin: germline.
Comment: This sequence change replaces glycine, which is neutral and non-polar, with aspartic acid, which is acidic and polar, at codon 302 of the FH protein (p.Gly302Asp). This variant is not present in population databases (gnomAD no frequency). This variant has not been reported in the literature in individuals affected with FH-related conditions. ClinVar contains an entry for this variant (Variation ID: 956825). An algorithm developed to predict the effect of missense changes on protein structure and function (PolyPhen-2) suggests that this variant is likely to be tolerated. In summary, the available evidence is currently insufficient to determine the role of this variant in disease. Therefore, it has been classified as a Variant of Uncertain Significance.

New York Genome Center
Classification: Uncertain significance for Fumarase deficiency. Last evaluated: 2021-07-08. Review status: criteria provided, single submitter. Criteria: NYGC Assertion Criteria 2020. Collection method: clinical testing. Allele origin: inherited. Observed: 1 heterozygote. Study: CSER-NYCKidSeq.

GeneDx
Classification: Uncertain significance. Last evaluated: 2020-09-11. Review status: criteria provided, single submitter. Criteria: GeneDx Variant Classification Process June 2021. Collection method: clinical testing. Allele origin: germline. Affected: yes.
Comment: Not observed in large population cohorts (Lek et al., 2016); In silico analysis, which includes protein predictors and evolutionary conservation, supports a deleterious effect; Has not been previously published as pathogenic or benign to our knowledge